The following is an entry in ClinVar:

ClinVar aggregate classification (germline): Benign (1 of 4 stars; one submission).

Submission:

Unidad de Genómica Garrahan, Hospital de Pediatría Garrahan
Classification: Benign. Last evaluated: 2023-11-12. Review status: criteria provided, single submitter. Criteria: ACMG Guidelines, 2015. Collection method: clinical testing. Allele origin: germline. Affected: no. Observed: 50 variant alleles.
Comment: This variant is classified as Benign based on local population frequency. This variant was detected in 52% of patients studied by a panel of primary immunodeficiencies. Number of patients: 50. Only high quality variants are reported.

NM_001039569.2(AP1S3):c.429+33ATG[9]

Gene: AP1S3 (adaptor related protein complex 1 subunit sigma 3; minus strand). Cytogenetic location: 2q36.1.
Variant type: Microsatellite.
Coding change: c.429+33ATG[9] on transcript NM_001039569.2 (MANE Select); nine copies in a row of the 3-base unit ATG starting at c.429+33; the reference has seven copies in a row; two copies, 6 bases duplicated.
Molecular consequence: intron variant.
Genome position (GRCh38, 1-based): chr2:223,765,160-223,765,165, CATCAT duplicated on the plus strand (ATGATG on the coding strand, the reverse complement: AP1S3 is on the minus strand); duplicating any 6 consecutive bases within chr2:223,765,160-223,765,181 gives the same sequence; the position shown is the placement nearest the transcript's 3' end. VCF-style (leftmost placement, unchanged base first): chr2-223765159-C-CCATCAT. GRCh37 (hg19) VCF-style: chr2-224629876-C-CCATCAT.
Identifiers: ClinVar variation 2628169 (VCV002628169.2), dbSNP rs10644138, ClinGen allele CA2138273.